The following is an entry in ClinVar:

ClinVar aggregate classification (germline): Uncertain significance (1 of 4 stars; one submission).

Allele frequency attached by ClinVar (database versions not stated): TOPMed below 0.00001.

Submission:

Women's Health and Genetics/Laboratory Corporation of America, LabCorp
Classification: Uncertain significance. Last evaluated: 2017-08-18. Review status: criteria provided, single submitter. Criteria: LabCorp Variant Classification Summary - May 2015. Collection method: clinical testing. Allele origin: germline.
Comment: Variant summary: The GJB2 c.-47C>G variant involves the alteration of a non-conserved nucleotide located in the 5UTR region. One in silico tool predicts a benign outcome for this variant. 5/5 splice prediction tools predict no significant impact on normal splicing. ESE finder predicts that this variant may affect ESE sites. However, these predictions have yet to be confirmed by functional studies. This variant is absent in 30790 control chromosomes in gnomAD. The variant of interest has not, to our knowledge, been reported in affected individuals via publications and/or reputable databases/clinical diagnostic laboratories; nor evaluated for functional impact by in vivo/vitro studies. Because of the absence of clinical information and the lack of functional studies, the variant is classified as a variant of uncertain significance (VUS) until additional information becomes available.

NM_004004.6(GJB2):c.-47C>G

Gene: GJB2 (gap junction protein beta 2; minus strand). Cytogenetic location: 13q12.11.
Variant type: single nucleotide variant.
Coding change: c.-47C>G on transcript NM_004004.6 (MANE Select); 47 bases upstream of the start codon, C replaced by G.
Molecular consequence: 5 prime UTR variant.
Genome position (GRCh38, 1-based): chr13:20,192,807, G>C on the plus strand (C>G on the coding strand, the complement: GJB2 is on the minus strand). VCF-style: chr13-20192807-G-C. GRCh37 (hg19) VCF-style: chr13-20766946-G-C.
Identifiers: ClinVar variation 496221 (VCV000496221.1), dbSNP rs1555342239, ClinGen allele CA658683797.
Genomic context (GRCh38, chr13:20,192,807, plus strand): 5'-GTTCCTGGCCGGGCAGTCCGGGGCCGGCGGGCTCACCTGCGTCGGGAGGAAGCGCGGCGG[G>C]GCCGGGGCGGGGGTCTCGGCGTTGGGGTCTCTGCGCTGGGGCTCCTGCGCTCCTAGGCGG-3'